The following is an entry in ClinVar:

ClinVar aggregate classification (germline): Uncertain significance (1 of 4 stars; one submission).

Conditions:
Congenital myasthenic syndrome 11. Also called: MYASTHENIC SYNDROME, CONGENITAL, Ie; Myasthenic syndrome, congenital, 11, associated with acetylcholine receptor deficiency. Identifiers: Orphanet 590, MedGen C4225367, MONDO:0014588, OMIM 616326.
Fetal akinesia deformation sequence 1 (FADS1). Also called: Pena-Shokeir syndrome type I; Fetal akinesia sequence. Identifiers: Orphanet 994, MedGen C1276035, MONDO:0100101, OMIM 208150, HP:0001989.

Submission:

Labcorp Genetics (formerly Invitae), Labcorp
Classification: Uncertain significance for Congenital myasthenic syndrome 11; Fetal akinesia deformation sequence 1. Last evaluated: 2025-09-22. Review status: criteria provided, single submitter. Criteria: Invitae Variant Classification Sherloc (09022015). Collection method: clinical testing. Allele origin: germline.
Comment: This sequence change replaces asparagine, which is neutral and polar, with lysine, which is basic and polar, at codon 401 of the RAPSN protein (p.Asn401Lys). This variant is not present in population databases (gnomAD no frequency). This variant has not been reported in the literature in individuals affected with RAPSN-related conditions. Invitae Evidence Modeling of protein sequence and biophysical properties (such as structural, functional, and spatial information, amino acid conservation, physicochemical variation, residue mobility, and thermodynamic stability) indicates that this missense variant is not expected to disrupt RAPSN protein function with a negative predictive value of 95%. In summary, the available evidence is currently insufficient to determine the role of this variant in disease. Therefore, it has been classified as a Variant of Uncertain Significance.

NM_005055.5(RAPSN):c.1203C>A (p.Asn401Lys)

Gene: RAPSN (receptor associated protein of the synapse; minus strand). Cytogenetic location: 11p11.2.
Variant type: single nucleotide variant.
Coding change: c.1203C>A on transcript NM_005055.5 (MANE Select); coding-DNA position 1203, C replaced by A.
Protein change: p.Asn401Lys; replaces asparagine 401 with lysine.
Molecular consequence: missense variant. On other transcripts: 3 prime UTR variant (3).
Genome position (GRCh38, 1-based): chr11:47,438,011, G>T on the plus strand (C>A on the coding strand, the complement: RAPSN is on the minus strand). VCF-style: chr11-47438011-G-T. GRCh37 (hg19) VCF-style: chr11-47459562-G-T.
Other names: c.1339C>A, p.Leu447Met (NM_001440490.1); c.1288C>A, p.Leu430Met (NM_001440491.1); c.*648C>A (NM_001440492.1, NM_001440498.1, NM_001440500.1); c.1006C>A, p.Leu336Met (NM_001440493.1); c.1003C>A, p.Leu335Met (NM_001440494.1); c.1149C>A, p.Asn383Lys (NM_001440495.1); c.949C>A, p.Leu317Met (NM_001440496.1); c.1080C>A, p.Asn360Lys (NM_001440497.1); and 6 more; short protein forms L276M, L317M, N342K, N348K, L335M, L430M, L447M, N383K.
Identifiers: ClinVar variation 4782899 (VCV004782899.1).